The following is an entry in ClinVar:

NM_000179.3(MSH6):c.856G>C (p.Glu286Gln)

Gene: MSH6 (mutS homolog 6; plus strand). Cytogenetic location: 2p16.3.
Variant type: single nucleotide variant.
Coding change: c.856G>C on transcript NM_000179.3 (MANE Select); coding-DNA position 856, G replaced by C.
Protein change: p.Glu286Gln; replaces glutamic acid 286 with glutamine.
Molecular consequence: missense variant. On other transcripts: 5 prime UTR variant (2).
Genome position (GRCh38, 1-based): chr2:47,798,839, G>C. VCF-style: chr2-47798839-G-C. GRCh37 (hg19) VCF-style: chr2-48025978-G-C.
Other names: c.466G>C, p.Glu156Gln (NM_001281492.2); c.-51G>C (NM_001281493.2, NM_001281494.2); short protein forms E286Q, E156Q.
Identifiers: ClinVar variation 652286 (VCV000652286.10), dbSNP rs1057520605, ClinGen allele CA346740574.

ClinVar aggregate classification (germline): Uncertain significance. Review status: criteria provided, multiple submitters, no conflicts (2 of 4 stars). 2 submissions from 2 submitters: Uncertain significance (2). Last evaluated 2023-11-22.

Conditions:
Hereditary cancer-predisposing syndrome. Also called: Neoplastic Syndromes, Hereditary; Tumor predisposition; Hereditary Cancer Syndrome; Hereditary neoplastic syndrome. Identifiers: Orphanet 140162, MedGen C0027672, MeSH D009386, MONDO:0015356.
Hereditary nonpolyposis colorectal neoplasms. Identifiers: MedGen C0009405, MeSH D003123.

gnomAD v4.1: 1 of 1,614,210 alleles (0.000062%); highest among the groups gnomAD compares: South Asian, 0.0011%; no homozygotes.

Submissions (2):

Ambry Genetics
Classification: Uncertain significance for Hereditary cancer-predisposing syndrome. Last evaluated: 2023-11-22. Review status: criteria provided, single submitter. Criteria: Ambry Variant Classification Scheme 2023. Collection method: clinical testing. Allele origin: germline.
Comment: The p.E286Q variant (also known as c.856G>C), located in coding exon 4 of the MSH6 gene, results from a G to C substitution at nucleotide position 856. The glutamic acid at codon 286 is replaced by glutamine, an amino acid with highly similar properties. This amino acid position is conserved. In addition, this alteration is predicted to be tolerated by in silico analysis. Since supporting evidence is limited at this time, the clinical significance of this alteration remains unclear.

Labcorp Genetics (formerly Invitae), Labcorp
Classification: Uncertain significance for Hereditary nonpolyposis colorectal neoplasms. Last evaluated: 2018-08-15. Review status: criteria provided, single submitter. Criteria: Invitae Variant Classification Sherloc (09022015). Collection method: clinical testing. Allele origin: germline.
Comment: This sequence change replaces glutamic acid with glutamine at codon 286 of the MSH6 protein (p.Glu286Gln). The glutamic acid residue is weakly conserved and there is a small physicochemical difference between glutamic acid and glutamine. This variant is not present in population databases (ExAC no frequency). This variant has not been reported in the literature in individuals with MSH6-related disease. Algorithms developed to predict the effect of missense changes on protein structure and function (SIFT, PolyPhen-2, Align-GVGD) all suggest that this variant is likely to be tolerated, but these predictions have not been confirmed by published functional studies and their clinical significance is uncertain. In summary, the available evidence is currently insufficient to determine the role of this variant in disease. Therefore, it has been classified as a Variant of Uncertain Significance.